The following is an entry in ClinVar:

NM_001868.4(CPA1):c.724C>A (p.His242Asn)

Gene: CPA1 (carboxypeptidase A1; plus strand). Cytogenetic location: 7q32.2.
Variant type: single nucleotide variant.
Coding change: c.724C>A on transcript NM_001868.4 (MANE Select); coding-DNA position 724, C replaced by A.
Protein change: p.His242Asn; replaces histidine 242 with asparagine.
Molecular consequence: missense variant.
Genome position (GRCh38, 1-based): chr7:130,384,563, C>A. VCF-style: chr7-130384563-C-A. GRCh37 (hg19) VCF-style: chr7-130024404-C-A.
Other names: short protein forms H242N.
Identifiers: ClinVar variation 1757899 (VCV001757899.3), dbSNP rs1554411727, ClinGen allele CA369282934.

ClinVar aggregate classification (germline): Uncertain significance (1 of 4 stars; one submission).

Conditions:
Hereditary pancreatitis (PCTT). Also called: Hereditary chronic pancreatitis; PRSS1-Related Hereditary Pancreatitis. Identifiers: Orphanet 676, MedGen C0238339, MONDO:0008185, OMIM 167800.

Submission:

Ambry Genetics
Classification: Uncertain significance for Hereditary pancreatitis. Last evaluated: 2022-04-19. Review status: criteria provided, single submitter. Criteria: Ambry Variant Classification Scheme 2023. Collection method: clinical testing. Allele origin: germline.
Comment: The p.H242N variant (also known as c.724C>A), located in coding exon 7 of the CPA1 gene, results from a C to A substitution at nucleotide position 724. The histidine at codon 242 is replaced by asparagine, an amino acid with similar properties. This amino acid position is conserved. In addition, this alteration is predicted to be tolerated by in silico analysis. Since supporting evidence is limited at this time, the clinical significance of this alteration remains unclear.